The following is an entry in ClinVar:

ClinVar aggregate classification (germline): Likely benign. Review status: criteria provided, multiple submitters, no conflicts (2 of 4 stars). 3 submissions from 3 submitters: Likely benign (2). 1 of the submissions does not count toward it. Last evaluated 2025-09-30.

Conditions:
TJP2-related disorder. Also called: TJP2-related condition.

Allele frequency attached by ClinVar (database versions not stated): ExAC 0.00005; gnomAD 0.00005; gnomAD exomes 0.00005; TOPMed 0.00005; ESP Exome Variant Server 0.00008; 1000 Genomes Project 30x 0.00016; 1000 Genomes Project 0.00020.
gnomAD v4.1: 84 of 1,614,164 alleles (0.0052%); highest among the groups gnomAD compares: Non-Finnish European, 0.0059%; no homozygotes.

Submissions (3):

Labcorp Genetics (formerly Invitae), Labcorp
Classification: Likely benign. Last evaluated: 2025-09-30. Review status: criteria provided, single submitter. Criteria: Invitae Variant Classification Sherloc (09022015). Collection method: clinical testing. Allele origin: germline.

Blueprint Genetics
Classification: Likely benign. Last evaluated: 2024-09-09. Review status: criteria provided, single submitter. Criteria: ACMG Guidelines, 2015. Collection method: clinical testing. Allele origin: germline.

PreventionGenetics, part of Exact Sciences
Classification: Likely benign for TJP2-related condition. Last evaluated: 2021-05-03. Review status: no assertion criteria provided. Collection method: clinical testing. Allele origin: germline. Not counted in ClinVar's aggregate classification.
Comment: This variant is classified as likely benign based on ACMG/AMP sequence variant interpretation guidelines (Richards et al. 2015 PMID: 25741868, with internal and published modifications).

NM_004817.4(TJP2):c.3235C>T (p.Leu1079=)

Gene: TJP2 (tight junction protein 2; plus strand). Cytogenetic location: 9q21.11.
Variant type: single nucleotide variant.
Coding change: c.3235C>T on transcript NM_004817.4 (MANE Select); coding-DNA position 3235, C replaced by T.
Protein change: p.Leu1079=; no amino-acid change (leucine 1079 retained).
Molecular consequence: synonymous variant. On other transcripts: intron variant (3).
Genome position (GRCh38, 1-based): chr9:69,251,278, C>T. VCF-style: chr9-69251278-C-T. GRCh37 (hg19) VCF-style: chr9-71866194-C-T.
Other names: c.3136C>T, p.Leu1046= (NM_001170415.1); c.3328C>T, p.Leu1110= (NM_001170416.2); c.3160C>T, p.Leu1054= (NM_001369870.1); c.3166C>T, p.Leu1056= (NM_001369871.1); c.3124C>T, p.Leu1042= (NM_001369872.1); c.2911C>T, p.Leu971= (NM_001369873.1); c.3247C>T, p.Leu1083= (NM_001369875.1); c.2812-1537C>T (NM_001170414.2); and 2 more.
Identifiers: ClinVar variation 3051757 (VCV003051757.5), dbSNP rs375994824, ClinGen allele CA5073907.